The following is an entry in ClinVar:

ClinVar aggregate classification (germline): Uncertain significance. Review status: criteria provided, multiple submitters, no conflicts (2 of 4 stars). 2 submissions from 2 submitters: Uncertain significance (2). Last evaluated 2023-05-15.

Conditions:
Hereditary cancer-predisposing syndrome. Also called: Neoplastic Syndromes, Hereditary; Hereditary Cancer Syndrome; Hereditary neoplastic syndrome; Tumor predisposition. Identifiers: Orphanet 140162, MedGen C0027672, MeSH D009386, MONDO:0015356.
Cardiovascular phenotype. Identifiers: MedGen CN230736.

Submissions (2):

Ambry Genetics
Classification: Uncertain significance for Cardiovascular phenotype; Hereditary cancer-predisposing syndrome. Last evaluated: 2023-05-15. Review status: criteria provided, single submitter. Criteria: Ambry Variant Classification Scheme 2023. Collection method: clinical testing. Allele origin: germline.
Comment: The p.L562P variant (also known as c.1685T>C), located in coding exon 15 of the LZTR1 gene, results from a T to C substitution at nucleotide position 1685. The leucine at codon 562 is replaced by proline, an amino acid with similar properties. This amino acid position is conserved. In addition, this alteration is predicted to be deleterious by in silico analysis. Since supporting evidence is limited at this time, the clinical significance of this alteration remains unclear.

Labcorp Genetics (formerly Invitae), Labcorp
Classification: Uncertain significance. Last evaluated: 2022-05-09. Review status: criteria provided, single submitter. Criteria: Invitae Variant Classification Sherloc (09022015). Collection method: clinical testing. Allele origin: germline.
Comment: This sequence change replaces leucine, which is neutral and non-polar, with proline, which is neutral and non-polar, at codon 562 of the LZTR1 protein (p.Leu562Pro). This variant is not present in population databases (gnomAD no frequency). This variant has not been reported in the literature in individuals affected with LZTR1-related conditions. Algorithms developed to predict the effect of missense changes on protein structure and function are either unavailable or do not agree on the potential impact of this missense change (SIFT: "Deleterious"; PolyPhen-2: "Probably Damaging"; Align-GVGD: "Class C0"). In summary, the available evidence is currently insufficient to determine the role of this variant in disease. Therefore, it has been classified as a Variant of Uncertain Significance.

NM_006767.4(LZTR1):c.1685T>C (p.Leu562Pro)

Gene: LZTR1 (leucine zipper like post translational regulator 1; plus strand). Cytogenetic location: 22q11.21.
Variant type: single nucleotide variant.
Coding change: c.1685T>C on transcript NM_006767.4 (MANE Select); coding-DNA position 1685, T replaced by C.
Protein change: p.Leu562Pro; replaces leucine 562 with proline.
Molecular consequence: missense variant.
Genome position (GRCh38, 1-based): chr22:20,994,627, T>C. VCF-style: chr22-20994627-T-C. GRCh37 (hg19) VCF-style: chr22-21348916-T-C.
Other names: c.1685T>C (NM_006767.3); short protein forms L562P.
Identifiers: ClinVar variation 2111692 (VCV002111692.5), dbSNP rs2518621788, ClinGen allele CA410777769.